The following is an entry in ClinVar:

NM_019842.4(KCNQ5):c.533G>A (p.Arg178Gln)

Gene: KCNQ5 (potassium voltage-gated channel subfamily Q member 5; plus strand). Cytogenetic location: 6q13.
Variant type: single nucleotide variant.
Coding change: c.533G>A on transcript NM_019842.4 (MANE Select); coding-DNA position 533, G replaced by A.
Protein change: p.Arg178Gln; replaces arginine 178 with glutamine.
Molecular consequence: missense variant.
Genome position (GRCh38, 1-based): chr6:73,041,979, G>A. VCF-style: chr6-73041979-G-A. GRCh37 (hg19) VCF-style: chr6-73751702-G-A.
Other names: c.533G>A, p.Arg178Gln (NM_001160130.2, NM_001160132.2, NM_001160133.2 and 1 more transcripts); short protein forms R178Q.
Identifiers: ClinVar variation 4740283 (VCV004740283.1).
Genomic context (GRCh38, chr6:73,041,979, plus strand): 5'-CTTATCTGATATTTTAGGAGTTCGTGATGATTGTCGTCTTTGGTTTGGAGTTCATCATTC[G>A]AATCTGGTCTGCGGGTTGCTGTTGTCGATATAGAGGATGGCAAGGAAGACTGAGGTTTGC-3'
Protein context (NP_062816.2, residues 168-188): IVVFGLEFII[Arg178Gln]IWSAGCCCRY

ClinVar aggregate classification (germline): Uncertain significance (1 of 4 stars; one submission).

gnomAD v4.1: 1 of 1,613,806 alleles (0.000062%); highest among the groups gnomAD compares: Non-Finnish European, 0.000085%; no homozygotes.

Submission:

Labcorp Genetics (formerly Invitae), Labcorp
Classification: Uncertain significance. Last evaluated: 2025-10-01. Review status: criteria provided, single submitter. Criteria: Invitae Variant Classification Sherloc (09022015). Collection method: clinical testing. Allele origin: germline.
Comment: This sequence change replaces arginine, which is basic and polar, with glutamine, which is neutral and polar, at codon 178 of the KCNQ5 protein (p.Arg178Gln). This variant is not present in population databases (gnomAD no frequency). This variant has not been reported in the literature in individuals affected with KCNQ5-related conditions. Invitae Evidence Modeling of protein sequence and biophysical properties (such as structural, functional, and spatial information, amino acid conservation, physicochemical variation, residue mobility, and thermodynamic stability) indicates that this missense variant is expected to disrupt KCNQ5 protein function with a positive predictive value of 80%. In summary, the available evidence is currently insufficient to determine the role of this variant in disease. Therefore, it has been classified as a Variant of Uncertain Significance.